The following is an entry in ClinVar:

ClinVar aggregate classification (germline): Pathogenic. Review status: criteria provided, multiple submitters, no conflicts (2 of 4 stars). 2 submissions from 2 submitters: Pathogenic (2). Last evaluated 2026-04-28.

Conditions:
Medium-chain acyl-coenzyme A dehydrogenase deficiency (ACADMD). Also called: CARNITINE DEFICIENCY SECONDARY TO MEDIUM-CHAIN ACYL-CoA DEHYDROGENASE DEFICIENCY; MCADH DEFICIENCY; MCAD Deficiency; MCADD; Medium chain acyl-CoA dehydrogenase deficiency; ACADM DEFICIENCY. Identifiers: Orphanet 42, MedGen C0220710, MONDO:0008721, OMIM 201450.

Submissions (2):

Myriad Genetics, Inc.
Classification: Pathogenic for Medium-chain acyl-coenzyme A dehydrogenase deficiency. Last evaluated: 2026-04-28. Review status: criteria provided, single submitter. Criteria: Myriad Autosomal Dominant, Autosomal Recessive and X-Linked Classification Criteria (2023). Collection method: clinical testing. Allele origin: unknown.
Comment: NM_000016.4(ACADM):c.823_824dupGG(A276Efs*9) is expected to be pathogenic in the context of medium-chain acyl-CoA dehydrogenase deficiency. This variant is predicted to lead to an abnormal or absent protein product due to the creation of a premature termination codon in ACADM, a gene where loss-of-function variants are known to be pathogenic. Please note: this variant was assessed in the context of healthy population screening.

Labcorp Genetics (formerly Invitae), Labcorp
Classification: Pathogenic for Medium-chain acyl-coenzyme A dehydrogenase deficiency. Last evaluated: 2021-12-14. Review status: criteria provided, single submitter. Criteria: Invitae Variant Classification Sherloc (09022015). Collection method: clinical testing. Allele origin: germline.
Comment: For these reasons, this variant has been classified as Pathogenic. This variant has not been reported in the literature in individuals affected with ACADM-related conditions. This variant is not present in population databases (gnomAD no frequency). This sequence change creates a premature translational stop signal (p.Ala276Glufs*9) in the ACADM gene. It is expected to result in an absent or disrupted protein product. Loss-of-function variants in ACADM are known to be pathogenic (PMID: 16121256, 20434380).

Literature cited by the submitters: PubMed 16121256 (cited by Labcorp Genetics (formerly Invitae), Labcorp); PubMed 20434380 (cited by Labcorp Genetics (formerly Invitae), Labcorp).

NM_000016.6(ACADM):c.823_824dup (p.Ala276fs)

Gene: ACADM (acyl-CoA dehydrogenase medium chain; plus strand). Cytogenetic location: 1p31.1.
Variant type: Duplication.
Coding change: c.823_824dup on transcript NM_000016.6 (MANE Select); coding-DNA positions 823 to 824, 2 bases duplicated (GG; older notation c.823_824dupGG).
Protein change: p.Ala276fs; shifts the reading frame from alanine 276.
Molecular consequence: frameshift variant.
Genome position (GRCh38, 1-based): chr1:75,749,533-75,749,534, GG duplicated; duplicating any 2 consecutive bases within chr1:75,749,532-75,749,534 gives the same sequence; the c. name uses the placement nearest the transcript's 3' end. VCF-style (leftmost placement, unchanged base first): chr1-75749531-T-TGG. GRCh37 (hg19) VCF-style: chr1-76215216-T-TGG.
Other names: c.835_836dup, p.Ala280fs (NM_001127328.3); c.715_716dup, p.Ala240fs (NM_001286042.2); c.922_923dup, p.Ala309fs (NM_001286043.2); c.256_257dup, p.Ala87fs (NM_001286044.2); short protein forms A240fs, A87fs, A280fs, A309fs, A276fs.
Identifiers: ClinVar variation 2042803 (VCV002042803.5), dbSNP rs2525648201, ClinGen allele CA2580063241.